The following is an entry in ClinVar:

ClinVar aggregate classification (germline): Uncertain significance (1 of 4 stars; one submission).

Submission:

Labcorp Genetics (formerly Invitae), Labcorp
Classification: Uncertain significance. Last evaluated: 2022-03-10. Review status: criteria provided, single submitter. Criteria: Invitae Variant Classification Sherloc (09022015). Collection method: clinical testing. Allele origin: germline.
Comment: In summary, the available evidence is currently insufficient to determine the role of this variant in disease. Therefore, it has been classified as a Variant of Uncertain Significance. Experimental studies and prediction algorithms are not available or were not evaluated, and the functional significance of this variant is currently unknown. This variant has not been reported in the literature in individuals affected with CDH23-related conditions. This variant is not present in population databases (gnomAD no frequency). This variant, c.8090_8095dup, results in the insertion of 2 amino acid(s) of the CDH23 protein (p.Gln2698_Pro2699insArgGln), but otherwise preserves the integrity of the reading frame.

NM_022124.6(CDH23):c.8090_8095dup (p.Gln2698_Pro2699insArgGln)

Gene: CDH23 (cadherin related 23; plus strand). Cytogenetic location: 10q22.1.
Variant type: Duplication.
Coding change: c.8090_8095dup on transcript NM_022124.6 (MANE Select); coding-DNA positions 8090 to 8095, 6 bases duplicated (GCCAGC; older notation c.8090_8095dupGCCAGC).
Protein change: p.Gln2698_Pro2699insArgGln.
Molecular consequence: inframe insertion.
Genome position (GRCh38, 1-based): chr10:71,806,193-71,806,198, GCCAGC duplicated. VCF-style (leftmost placement, unchanged base first): chr10-71806192-G-GGCCAGC. GRCh37 (hg19) VCF-style: chr10-73565949-G-GGCCAGC.
Other names: c.1370_1375dup, p.Gln458_Pro459insArgGln (NM_001171933.1, NM_001171934.1).
Identifiers: ClinVar variation 1480209 (VCV001480209.8), dbSNP rs2132984902, ClinGen allele CA2573145279.
Genomic context (GRCh38, chr10:71,806,192, plus strand): 5'-CAGTCTTTTCCTCTGACTGTGCTCTTCCGCTCCTAGCTCATCTTGGTGGCCAGCGACCTG[G>GGCCAGC]GCCAGCCAGTGCCATACGAGACTATGCAGCCGCTGCAGGTGGCCCTGGAGGACATCGATG-3'